The following is an entry in ClinVar:

ClinVar aggregate classification (germline): Uncertain significance (1 of 4 stars; one submission).

Conditions:
Hypertrophic cardiomyopathy 1 (CMH1). Also called: Familial hypertrophic cardiomyopathy 1; MYH7-Related Familial Hypertrophic Cardiomyopathy. Identifiers: MedGen C3495498, MONDO:0008647, OMIM 192600.

Allele frequency attached by ClinVar (database versions not stated): gnomAD 0.00001; gnomAD exomes 0.00001; ExAC 0.00002; 1000 Genomes Project 30x 0.00031; 1000 Genomes Project 0.00040.
gnomAD v4.1: 2 of 1,612,930 alleles (0.00012%); highest among the groups gnomAD compares: African/African-American, 0.0027%; no homozygotes.

Submission:

Labcorp Genetics (formerly Invitae), Labcorp
Classification: Uncertain significance for Hypertrophic cardiomyopathy 1. Last evaluated: 2021-08-26. Review status: criteria provided, single submitter. Criteria: Invitae Variant Classification Sherloc (09022015). Collection method: clinical testing. Allele origin: germline.
Comment: This sequence change replaces alanine with serine at codon 113 of the MYLK2 protein (p.Ala113Ser). The alanine residue is moderately conserved and there is a moderate physicochemical difference between alanine and serine. This variant is present in population databases (rs201107614, ExAC 0.02%). This variant has not been reported in the literature in individuals affected with MYLK2-related conditions. Algorithms developed to predict the effect of missense changes on protein structure and function (SIFT, PolyPhen-2, Align-GVGD) all suggest that this variant is likely to be tolerated. In summary, the available evidence is currently insufficient to determine the role of this variant in disease. Therefore, it has been classified as a Variant of Uncertain Significance.

NM_033118.4(MYLK2):c.337G>T (p.Ala113Ser)

Gene: MYLK2 (myosin light chain kinase 2; plus strand). Cytogenetic location: 20q11.21.
Variant type: single nucleotide variant.
Coding change: c.337G>T on transcript NM_033118.4 (MANE Select); coding-DNA position 337, G replaced by T.
Protein change: p.Ala113Ser; replaces alanine 113 with serine.
Molecular consequence: missense variant.
Genome position (GRCh38, 1-based): chr20:31,820,410, G>T. VCF-style: chr20-31820410-G-T. GRCh37 (hg19) VCF-style: chr20-30408213-G-T.
Other names: short protein forms A113S.
Identifiers: ClinVar variation 1366702 (VCV001366702.6), dbSNP rs201107614, ClinGen allele CA9802896.